The following is an entry in ClinVar:

NM_000235.4(LIPA):c.1053C>T (p.Tyr351=)

Gene: LIPA (lipase A, lysosomal acid type; minus strand). Cytogenetic location: 10q23.31.
Variant type: single nucleotide variant.
Coding change: c.1053C>T on transcript NM_000235.4 (MANE Select); coding-DNA position 1053, C replaced by T.
Protein change: p.Tyr351=; no amino-acid change (tyrosine 351 retained).
Molecular consequence: synonymous variant.
Genome position (GRCh38, 1-based): chr10:89,214,975, G>A on the plus strand (C>T on the coding strand, the complement: LIPA is on the minus strand). VCF-style: chr10-89214975-G-A. GRCh37 (hg19) VCF-style: chr10-90974732-G-A.
Other names: c.1053C>T, p.Tyr351= (NM_001127605.3); c.705C>T, p.Tyr235= (NM_001288979.2).
Identifiers: ClinVar variation 1160177 (VCV001160177.11), dbSNP rs754591708, ClinGen allele CA5593518.

ClinVar aggregate classification (germline): Likely benign. Review status: criteria provided, multiple submitters, no conflicts (2 of 4 stars). 3 submissions from 3 submitters: Likely benign (3). Last evaluated 2026-01-18.

Conditions:
Wolman disease (WOLD). Also called: Acid cholesteryl ester hydrolase deficiency, Wolman type; Acid lipase disease; Infantile-Onset LAL-D (Wolman Disease); Wolman disease, CESD; LYSOSOMAL ACID LIPASE DEFICIENCY, ACUTE INFANTILE; LYSOSOMAL ACID LIPASE DEFICIENCY, COMPLETE. Identifiers: Orphanet 75233, MedGen C0043208, MONDO:0019148, OMIM 620151.
Lysosomal acid lipase deficiency. Also called: Acid cholesteryl ester hydrolase deficiency, type 2. Identifiers: Orphanet 275761, MedGen C5574740, MONDO:0800449, MONDO:0010204.

Allele frequency attached by ClinVar (database versions not stated): TOPMed below 0.00001; gnomAD exomes 0.00001; ExAC 0.00002.

Submissions (3):

Labcorp Genetics (formerly Invitae), Labcorp
Classification: Likely benign for Wolman disease. Last evaluated: 2026-01-18. Review status: criteria provided, single submitter. Criteria: Invitae Variant Classification Sherloc (09022015). Collection method: clinical testing. Allele origin: germline.

Blueprint Genetics
Classification: Likely benign. Last evaluated: 2024-01-23. Review status: criteria provided, single submitter. Criteria: ACMG Guidelines, 2015. Collection method: clinical testing. Allele origin: germline.

GENinCode PLC
Classification: Likely benign for Lysosomal acid lipase deficiency. Last evaluated: 2023-12-21. Review status: criteria provided, single submitter. Criteria: ACMG Guidelines, 2015. Collection method: clinical testing. Allele origin: germline.
Comment: This is a synonymous (silent) variant that is not predicted by SpliceAI to impact splicing. In addition, it occurs at a nucleotide that is not conserved. Therefore this variant has been classified as Likely Benign (BP4, BP7).